The following is an entry in ClinVar:

ClinVar aggregate classification (germline): Uncertain significance. Review status: criteria provided, multiple submitters, no conflicts (2 of 4 stars). 3 submissions from 3 submitters: Uncertain significance (3). Last evaluated 2025-10-07.

Allele frequency attached by ClinVar (database versions not stated): gnomAD exomes below 0.00001; TOPMed 0.00001.
gnomAD v4.1: 3 of 1,614,080 alleles (0.00019%); highest among the groups gnomAD compares: Non-Finnish European, 0.00017%; no homozygotes.

Submissions (3):

Ambry Genetics
Classification: Uncertain significance. Last evaluated: 2025-10-07. Review status: criteria provided, single submitter. Criteria: Ambry Variant Classification Scheme 2023. Collection method: clinical testing. Allele origin: germline.
Comment: The c.6710G>A (p.G2237E) alteration is located in exon 48 (coding exon 48) of the SPTA1 gene. This alteration results from a G to A substitution at nucleotide position 6710, causing the glycine (G) at amino acid position 2237 to be replaced by a glutamic acid (E). Based on data from gnomAD, the A allele has an overall frequency of <0.001% (1/249498) total alleles studied. The highest observed frequency was 0.001% (1/113232) of European (non-Finnish) alleles. Based on insufficient or conflicting evidence, the clinical significance of this alteration remains unclear.

Blueprint Genetics
Classification: Uncertain significance. Last evaluated: 2024-10-31. Review status: criteria provided, single submitter. Criteria: ACMG Guidelines, 2015. Collection method: clinical testing. Allele origin: germline.

Revvity Omics, Revvity
Classification: Uncertain significance. Last evaluated: 2023-06-14. Review status: criteria provided, single submitter. Criteria: ACMG Guidelines, 2015. Collection method: clinical testing. Allele origin: germline.

NM_003126.4(SPTA1):c.6710G>A (p.Gly2237Glu)

Gene: SPTA1 (spectrin alpha, erythrocytic 1; minus strand). Cytogenetic location: 1q23.1.
Variant type: single nucleotide variant.
Coding change: c.6710G>A on transcript NM_003126.4 (MANE Select); coding-DNA position 6710, G replaced by A.
Protein change: p.Gly2237Glu; replaces glycine 2237 with glutamic acid.
Molecular consequence: missense variant.
Genome position (GRCh38, 1-based): chr1:158,615,294, C>T on the plus strand (G>A on the coding strand, the complement: SPTA1 is on the minus strand). VCF-style: chr1-158615294-C-T. GRCh37 (hg19) VCF-style: chr1-158585084-C-T.
Other names: c.6710G>A (NM_003126.2); short protein forms G2237E.
Identifiers: ClinVar variation 2690079 (VCV002690079.4), dbSNP rs938417743, ClinGen allele CA31254025.